The following is an entry in ClinVar:

NM_003504.5(CDC45):c.622A>G (p.Met208Val)

Gene: CDC45 (cell division cycle 45; plus strand). Cytogenetic location: 22q11.21.
Variant type: single nucleotide variant.
Coding change: c.622A>G on transcript NM_003504.5 (MANE Select); coding-DNA position 622, A replaced by G.
Protein change: p.Met208Val; replaces methionine 208 with valine.
Molecular consequence: missense variant. On other transcripts: non-coding transcript variant (1).
Genome position (GRCh38, 1-based): chr22:19,497,416, A>G. VCF-style: chr22-19497416-A-G. GRCh37 (hg19) VCF-style: chr22-19484939-A-G.
Other names: c.718A>G, p.Met240Val (NM_001178010.2); c.484A>G, p.Met162Val (NM_001178011.2); c.586A>G, p.Met196Val (NM_001369291.1); short protein forms M162V, M196V, M208V, M240V.
Identifiers: ClinVar variation 1061855 (VCV001061855.9), dbSNP rs2146377105, ClinGen allele CA410665407.

ClinVar aggregate classification (germline): Uncertain significance (1 of 4 stars; one submission).

Submission:

Labcorp Genetics (formerly Invitae), Labcorp
Classification: Uncertain significance. Last evaluated: 2022-06-13. Review status: criteria provided, single submitter. Criteria: Invitae Variant Classification Sherloc (09022015). Collection method: clinical testing. Allele origin: germline.
Comment: In summary, the available evidence is currently insufficient to determine the role of this variant in disease. Therefore, it has been classified as a Variant of Uncertain Significance. Algorithms developed to predict the effect of missense changes on protein structure and function output the following: SIFT: "Tolerated"; PolyPhen-2: "Benign"; Align-GVGD: "Class C0". The valine amino acid residue is found in multiple mammalian species, which suggests that this missense change does not adversely affect protein function. ClinVar contains an entry for this variant (Variation ID: 1061855). This variant has not been reported in the literature in individuals affected with CDC45-related conditions. This variant is not present in population databases (gnomAD no frequency). This sequence change replaces methionine, which is neutral and non-polar, with valine, which is neutral and non-polar, at codon 240 of the CDC45 protein (p.Met240Val).